The following is an entry in ClinVar:

NM_020919.4(ALS2):c.4022G>T (p.Arg1341Leu)

Gene: ALS2 (alsin Rho guanine nucleotide exchange factor ALS2; minus strand). Cytogenetic location: 2q33.1.
Variant type: single nucleotide variant.
Coding change: c.4022G>T on transcript NM_020919.4 (MANE Select); coding-DNA position 4022, G replaced by T.
Protein change: p.Arg1341Leu; replaces arginine 1341 with leucine.
Molecular consequence: missense variant.
Genome position (GRCh38, 1-based): chr2:201,711,091, C>A on the plus strand (G>T on the coding strand, the complement: ALS2 is on the minus strand). VCF-style: chr2-201711091-C-A. GRCh37 (hg19) VCF-style: chr2-202575814-C-A.
Other names: short protein forms R1341L.
Identifiers: ClinVar variation 1045180 (VCV001045180.8), dbSNP rs761291489, ClinGen allele CA350323890.

ClinVar aggregate classification (germline): Uncertain significance (1 of 4 stars; one submission).

Conditions:
Infantile-onset ascending hereditary spastic paralysis (IAHSP). Also called: Autosomal Recessive Juvenile Amyotrophic Lateral Sclerosis; Infantile-Onset Ascending Hereditary Spastic Paralysis (IAHSP). Identifiers: Orphanet 293168, MedGen C2931441, MONDO:0011797, OMIM 607225. Disease mechanism: loss of function.

Submission:

Labcorp Genetics (formerly Invitae), Labcorp
Classification: Uncertain significance for Infantile-onset ascending hereditary spastic paralysis. Last evaluated: 2020-06-23. Review status: criteria provided, single submitter. Criteria: Invitae Variant Classification Sherloc (09022015). Collection method: clinical testing. Allele origin: germline.
Comment: Algorithms developed to predict the effect of missense changes on protein structure and function are either unavailable or do not agree on the potential impact of this missense change (SIFT: "Deleterious"; PolyPhen-2: "Benign"; Align-GVGD: "Class C65"). This variant has not been reported in the literature in individuals with ALS2-related conditions. This variant is not present in population databases (ExAC no frequency). This sequence change replaces arginine with leucine at codon 1341 of the ALS2 protein (p.Arg1341Leu). The arginine residue is highly conserved and there is a moderate physicochemical difference between arginine and leucine. In summary, the available evidence is currently insufficient to determine the role of this variant in disease. Therefore, it has been classified as a Variant of Uncertain Significance.